The following is an entry in ClinVar:

NM_001613.4(ACTA2):c.808G>A (p.Gly270Arg)

Genes: ACTA2 (actin alpha 2, smooth muscle; minus strand), ACTA2-AS1 (ACTA2 antisense RNA 1; plus strand). Cytogenetic location: 10q23.31.
Variant type: single nucleotide variant.
Coding change: c.808G>A on transcript NM_001613.4 (MANE Select); coding-DNA position 808, G replaced by A.
Protein change: p.Gly270Arg; replaces glycine 270 with arginine.
Molecular consequence: missense variant. On other transcripts: non-coding transcript variant (1).
Genome position (GRCh38, 1-based): chr10:88,939,507, C>T on the plus strand (G>A on the coding strand, the complement: ACTA2 is on the minus strand). VCF-style: chr10-88939507-C-T. GRCh37 (hg19) VCF-style: chr10-90699264-C-T.
Other names: p.G270R:GGG>AGG; c.808G>A, p.Gly270Arg (NM_001141945.3, NM_001320855.2, NM_001406462.1 and 2 more transcripts); c.697G>A, p.Gly233Arg (NM_001406466.1); c.679G>A, p.Gly227Arg (NM_001406467.1, NM_001406468.1, NM_001406469.1); short protein forms G270R, G227R, G233R.
Identifiers: ClinVar variation 199675 (VCV000199675.30), dbSNP rs794728028, ClinGen allele CA007043.

ClinVar aggregate classification (germline): Conflicting classifications of pathogenicity. Review status: criteria provided, conflicting classifications (1 of 4 stars). 11 submissions from 11 submitters: Pathogenic (1); Likely pathogenic (6); Uncertain significance (4). Last evaluated 2026-07-01.

Conditions:
ACTA2-related disorder. Also called: ACTA2-related condition; ACTA2-related disorders.
Familial thoracic aortic aneurysm and aortic dissection (TAAD). Also called: Thoracic aortic aneurysms and dissections. Identifiers: Orphanet 91387, MedGen C4707243, MONDO:0019625.
Aortic aneurysm, familial thoracic 6 (AAT6). Also called: FAMILIAL THORACIC AORTIC ANEURYSM WITH LIVEDO RETICULARIS AND IRIS FLOCCULI. Identifiers: MedGen C2673186, MONDO:0012730, OMIM 611788.

Allele frequency attached by ClinVar (database versions not stated): gnomAD exomes below 0.00001 and 0.00001.
gnomAD v4.1: 8 of 1,612,866 alleles (0.0005%); highest among the groups gnomAD compares: Non-Finnish European, 0.00059%; no homozygotes.

Submissions (11):

CeGaT Center for Human Genetics Tuebingen
Classification: Likely pathogenic. Last evaluated: 2026-07-01. Review status: criteria provided, single submitter. Criteria: CeGaT Center For Human Genetics Tuebingen Variant Classification Criteria Version 2. Collection method: clinical testing. Allele origin: germline. Affected: yes. Observed: 1 variant allele.
Comment: ACTA2: PS4, PM2:Supporting, PP2, PP3, PS3:Supporting

Ambry Genetics
Classification: Uncertain significance for Familial thoracic aortic aneurysm and aortic dissection. Last evaluated: 2026-06-03. Review status: criteria provided, single submitter. Criteria: Ambry Variant Classification Scheme 2023. Collection method: clinical testing. Allele origin: germline.
Comment: The c.808G>A variant (also known as p.G270R), located in coding exon 6 of the ACTA2 gene, results from a G to A substitution at nucleotide position 808. The glycine at codon 270 is replaced by arginine, an amino acid with dissimilar properties. However, this change occurs in the last base pair of coding exon 6, which makes it likely to have some effect on normal mRNA splicing. This variant was reported in individual(s) with features consistent with ACTA2-related vascular disorders (Regalado ES et al. Circ Cardiovasc Genet, 2015 Jun;8:457-64; Ziganshin BA et al. Ann. Thorac. Surg., 2015 Nov;100:1604-11; Weerakkody R et al. Genet Med. 2018 Nov;20(11):1414-1422; van den Bersselaar LM et al. Genet Med. 2024 Feb;26(2):101024; Ambry internal data). This variant is considered to be rare based on population cohorts in the Genome Aggregation Database (gnomAD). RNA studies by one group suggest that this variant may result in abnormal splicing (van den Bersselaar LM et al. Genet Med. 2024 Feb;26(2):101024). This nucleotide position is highly conserved in available vertebrate species. This amino acid position is highly conserved in available vertebrate species. In silico splice site analysis predicts that this alteration may weaken the native splice donor site. In addition, as a missense substitution this is predicted to be deleterious by in silico analysis. Based on the available evidence, the clinical significance of this variant remains unclear.

Labcorp Genetics (formerly Invitae), Labcorp
Classification: Pathogenic for Aortic aneurysm, familial thoracic 6. Last evaluated: 2025-09-14. Review status: criteria provided, single submitter. Criteria: Invitae Variant Classification Sherloc (09022015). Collection method: clinical testing. Allele origin: germline.
Comment: This sequence change replaces glycine, which is neutral and non-polar, with arginine, which is basic and polar, at codon 270 of the ACTA2 protein (p.Gly270Arg). This variant also falls at the last nucleotide of exon 7, which is part of the consensus splice site for this exon. This variant is present in population databases (rs794728028, gnomAD 0.0009%). This missense change has been observed in individuals with thoracic aortic aneurysm and dissection (PMID: 25759435, 26188975, 29543232). ClinVar contains an entry for this variant (Variation ID: 199675). An algorithm developed to predict the effect of missense changes on protein structure and function (PolyPhen-2) suggests that this variant is likely to be disruptive. Variants that disrupt the consensus splice site are a relatively common cause of aberrant splicing (PMID: 17576681, 9536098). Algorithms developed to predict the effect of sequence changes on RNA splicing suggest that this variant may disrupt the consensus splice site. For these reasons, this variant has been classified as Pathogenic.

Genomic Medicine Center of Excellence, King Faisal Specialist Hospital and Research Centre
Classification: Likely pathogenic for Aortic aneurysm, familial thoracic 6. Last evaluated: 2025-09-10. Review status: criteria provided, single submitter. Criteria: ACMG Guidelines, 2015. Collection method: clinical testing. Allele origin: germline.

Laboratory of Genetics, Children's Clinical University Hospital Latvia
Classification: Likely pathogenic. Last evaluated: 2025-02-16. Review status: criteria provided, single submitter. Criteria: ACMG Guidelines, 2015. Collection method: clinical testing. Allele origin: germline. Affected: yes.

Clinical Genomics Laboratory, Washington University in St. Louis
Classification: Likely pathogenic for Aortic aneurysm, familial thoracic 6. Last evaluated: 2024-10-03. Review status: criteria provided, single submitter. Criteria: ACMG Guidelines, 2015. Collection method: clinical testing. Allele origin: germline. Affected: yes.
Comment: The ACTA2 c.808G>A (p.Gly270Arg) variant has been reported in at least three individuals affected with aortic root aneurysm (Regalado ES et al., PMID: 25759435; Weerakkody R et al., PMID: 29543232; Ziganshin BA et al., PMID: 26188975). This variant is only observed on 1/250,820 alleles in the general population (gnomAD v.2.1.1), indicating it is not a common variant. Another variant in the same codon, c.809G>A (p.Gly270Glu), has been reported in affected individuals and is considered pathogenic (Bee KJ et al., PMID: 23099432, ClinVar Variation ID: 199676). Computational predictors indicate that the variant is damaging, evidence that correlates with impact on ACTA2 function. This variant has been reported in the ClinVar database as a germline pathogenic variant by one submitter and a variant of uncertain significance by four submitters. Based on available information and the ACMG/AMP guidelines for variant interpretation (Richards S et al., PMID: 25741868), this variant is classified as likely pathogenic.

Centre of Medical Genetics, University of Antwerp
Classification: Likely pathogenic for Familial thoracic aortic aneurysm and aortic dissection. Last evaluated: 2024-09-06. Review status: criteria provided, single submitter. Criteria: ACMG Guidelines, 2015. Collection method: clinical testing. Allele origin: germline. Affected: yes.
Comment: LP(PS4; PM2, 5; PP2-3)

Blueprint Genetics
Classification: Likely pathogenic for ACTA2-related disorders. Last evaluated: 2024-02-02. Review status: criteria provided, single submitter. Criteria: ACMG Guidelines, 2015. Collection method: clinical testing. Allele origin: germline. Affected: yes. Observed: 5 variant alleles.

CHEO Genetics Diagnostic Laboratory, Children's Hospital of Eastern Ontario
Classification: Uncertain significance for Familial thoracic aortic aneurysm and aortic dissection. Last evaluated: 2023-01-25. Review status: criteria provided, single submitter. Criteria: ACMG Guidelines, 2015. Collection method: clinical testing. Allele origin: germline.

Color Diagnostics, LLC DBA Color Health
Classification: Uncertain significance for Familial thoracic aortic aneurysm and aortic dissection. Last evaluated: 2022-08-23. Review status: criteria provided, single submitter. Criteria: ACMG Guidelines, 2015. Collection method: clinical testing. Allele origin: germline.
Comment: This missense variant replaces glycine with arginine at codon 270 of the ACTA2 protein. Computational prediction suggests that this variant may have deleterious impact on protein structure and function (internally defined REVEL score threshold >= 0.7, PMID: 27666373). However, this variant causes a G>A nucleotide substitution at the last nucleotide of exon 7 of the ACTA2 gene, and splice site prediction tools suggest that this variant may impact RNA splicing. To our knowledge, functional studies have not been reported for this variant. This variant has been reported in at least four unrelated individuals affected with aortic dissection or aneurysm (PMID: 25759435, 26188975). This variant has been identified in 1/250820 chromosomes in the general population by the Genome Aggregation Database (gnomAD). The available evidence is insufficient to determine the role of this variant in disease conclusively. Therefore, this variant is classified as a Variant of Uncertain Significance.

GeneDx
Classification: Uncertain significance. Last evaluated: 2018-08-14. Review status: criteria provided, single submitter. Criteria: GeneDx Variant Classification (06012015). Collection method: clinical testing. Allele origin: germline. Affected: yes.
Comment: The G270R variant was not observed in approximately 6,500 individuals of European and African American ancestry in the NHLBI Exome Sequencing Project, indicating it is not a common benign variant in these populations. The G270R variant is a non-conservative amino acid substitution, which occurs at a position that is conserved across species, and in silico analysis predicts this variant is probably damaging to the protein structure/function. As an alternate mechanism, multiple splicing algorithms predict that c.808 G>A (aka G270R) destroys the splice donor site for intron 7 which may cause abnormal gene splicing. However, in the absence of RNA/functional studies, the actual effect of c.808 G>A in this individual is unknown. Other missense variants in the same (G270E) and nearby (G275A) residues have been reported in the Human Gene Mutation Database in association with thoracic aortic aneurysms (Stenson et al., 2014), supporting the functional importance of this region of the protein. We interpret G270R as a variant of uncertain significance.

Literature cited by the submitters: PubMed 25759435 (cited by 3 submitters); PubMed 26188975 (cited by 3 submitters); PubMed 29543232 (cited by Ambry Genetics and Labcorp Genetics (formerly Invitae), Labcorp); PubMed 36053285 (cited by Ambry Genetics); PubMed 37042257 (cited by Ambry Genetics); PubMed 38085215 (cited by Ambry Genetics); PubMed 17576681 (cited by Labcorp Genetics (formerly Invitae), Labcorp); PubMed 9536098 (cited by Labcorp Genetics (formerly Invitae), Labcorp).